The following is an entry in ClinVar:

ClinVar aggregate classification (germline): Likely benign. Review status: criteria provided, multiple submitters, no conflicts (2 of 4 stars). 5 submissions from 5 submitters: Likely benign (3). 2 of the submissions do not count toward it. Last evaluated 2023-10-01.

Allele frequency attached by ClinVar (database versions not stated): gnomAD 0.00314 and 0.00321; ExAC 0.00322; ESP Exome Variant Server 0.00375; gnomAD exomes 0.00401 and 0.00293; 1000 Genomes Project 30x 0.00094; 1000 Genomes Project 0.00120; TOPMed 0.00284.
gnomAD v4.1: 6,326 of 1,612,966 alleles (0.39%); highest among the groups gnomAD compares: Non-Finnish European, 0.45%; 13 homozygotes.

Submissions (5):

CeGaT Center for Human Genetics Tuebingen
Classification: Likely benign. Last evaluated: 2023-10-01. Review status: criteria provided, single submitter. Criteria: CeGaT Center For Human Genetics Tuebingen Variant Classification Criteria Version 2. Collection method: clinical testing. Allele origin: germline. Affected: yes. Observed: 2 variant alleles.
Comment: ARHGEF28: BP4

Labcorp Genetics (formerly Invitae), Labcorp
Classification: Likely benign. Last evaluated: 2019-12-31. Review status: criteria provided, single submitter. Criteria: Invitae Variant Classification Sherloc (09022015). Collection method: clinical testing. Allele origin: germline.

PreventionGenetics, part of Exact Sciences
Classification: Likely benign. Review status: criteria provided, single submitter. Criteria: ACMG Guidelines, 2015. Collection method: clinical testing. Allele origin: germline.

Clinical Genetics DNA and cytogenetics Diagnostics Lab, Erasmus MC, Erasmus Medical Center
Classification: Likely benign. Review status: no assertion criteria provided. Collection method: clinical testing. Allele origin: germline. Affected: yes. Study: VKGL Data-share Consensus. Not counted in ClinVar's aggregate classification.

Clinical Genetics, Academic Medical Center
Classification: Likely benign. Review status: no assertion criteria provided. Collection method: clinical testing. Allele origin: germline. Affected: yes. Study: VKGL Data-share Consensus. Not counted in ClinVar's aggregate classification.

NM_001177693.2(ARHGEF28):c.4054G>A (p.Val1352Ile)

Gene: ARHGEF28 (Rho guanine nucleotide exchange factor 28; plus strand). Cytogenetic location: 5q13.2.
Variant type: single nucleotide variant.
Coding change: c.4054G>A on transcript NM_001177693.2 (MANE Select); coding-DNA position 4054, G replaced by A.
Protein change: p.Val1352Ile; replaces valine 1352 with isoleucine.
Molecular consequence: missense variant.
Genome position (GRCh38, 1-based): chr5:73,901,264, G>A. VCF-style: chr5-73901264-G-A. GRCh37 (hg19) VCF-style: chr5-73197089-G-A.
Other names: c.4054G>A, p.Val1352Ile (NM_001080479.3, NM_001388078.1); c.3115G>A, p.Val1039Ile (NM_001244364.2); c.3760G>A, p.Val1254Ile (NM_001388076.1); short protein forms V1352I, V1039I, V1254I.
Identifiers: ClinVar variation 257370 (VCV000257370.49), dbSNP rs188040167, ClinGen allele CA3305235.
Genomic context (GRCh38, chr5:73,901,264, plus strand): 5'-GAAGGAAGAGGCTGTTCGGATGTGGATCCCGGGATCCAGGGTGTGGTAACCGACTTGGCC[G>A]TCTCTGATGCAGGGGAGAAGGTATTGTGAACTGATTTGTTAGTAAACGGCAGCGGTTACT-3'
Protein context (NP_001171164.1, residues 1342-1362): GIQGVVTDLA[Val1352Ile]SDAGEKVECR